The following is an entry in ClinVar:

ClinVar aggregate classification (germline): Uncertain significance (1 of 4 stars; one submission).

Submission:

Labcorp Genetics (formerly Invitae), Labcorp
Classification: Uncertain significance. Last evaluated: 2023-10-22. Review status: criteria provided, single submitter. Criteria: Invitae Variant Classification Sherloc (09022015). Collection method: clinical testing. Allele origin: germline.
Comment: This sequence change replaces proline, which is neutral and non-polar, with histidine, which is basic and polar, at codon 151 of the TCF3 protein (p.Pro151His). The frequency data for this variant in the population databases is considered unreliable, as metrics indicate poor data quality at this position in the gnomAD database. This variant has not been reported in the literature in individuals affected with TCF3-related conditions. Advanced modeling of protein sequence and biophysical properties (such as structural, functional, and spatial information, amino acid conservation, physicochemical variation, residue mobility, and thermodynamic stability) performed at Invitae indicates that this missense variant is not expected to disrupt TCF3 protein function. In summary, the available evidence is currently insufficient to determine the role of this variant in disease. Therefore, it has been classified as a Variant of Uncertain Significance.

NM_003200.5(TCF3):c.452C>A (p.Pro151His)

Gene: TCF3 (transcription factor 3; minus strand). Cytogenetic location: 19p13.3.
Variant type: single nucleotide variant.
Coding change: c.452C>A on transcript NM_003200.5 (MANE Select); coding-DNA position 452, C replaced by A.
Protein change: p.Pro151His; replaces proline 151 with histidine.
Molecular consequence: missense variant.
Genome position (GRCh38, 1-based): chr19:1,625,623, G>T on the plus strand (C>A on the coding strand, the complement: TCF3 is on the minus strand). VCF-style: chr19-1625623-G-T. GRCh37 (hg19) VCF-style: chr19-1625622-G-T.
Other names: c.452C>A, p.Pro151His (NM_001136139.4, NM_001351778.2, NM_001351779.2); short protein forms P151H.
Identifiers: ClinVar variation 2870527 (VCV002870527.3), dbSNP rs372696633, ClinGen allele CA9050396.